The following is an entry in ClinVar:

ClinVar aggregate classification (germline): Uncertain significance (1 of 4 stars; one submission).

Allele frequency attached by ClinVar (database versions not stated): gnomAD 0.00001; TOPMed 0.00003; gnomAD exomes 0.00005; ExAC 0.00007.

Submission:

Labcorp Genetics (formerly Invitae), Labcorp
Classification: Uncertain significance. Last evaluated: 2025-07-29. Review status: criteria provided, single submitter. Criteria: Invitae Variant Classification Sherloc (09022015). Collection method: clinical testing. Allele origin: germline.
Comment: This sequence change affects an acceptor splice site in intron 13 of the MYH7B gene. It is expected to disrupt RNA splicing. Variants that disrupt the donor or acceptor splice site typically lead to a loss of protein function (PMID: 16199547), however the current clinical and genetic evidence is not sufficient to establish whether loss-of-function variants in MYH7B cause disease. This variant is present in population databases (rs776001396, gnomAD 0.01%). This variant has not been reported in the literature in individuals affected with MYH7B-related conditions. ClinVar contains an entry for this variant (Variation ID: 2186290). Algorithms developed to predict the effect of sequence changes on RNA splicing suggest that this variant may disrupt the consensus splice site. In summary, the available evidence is currently insufficient to determine the role of this variant in disease. Therefore, it has been classified as a Variant of Uncertain Significance.

Literature cited by the submitters: PubMed 16199547.

NM_020884.7(MYH7B):c.806-2A>T

Gene: MYH7B (myosin heavy chain 7B; plus strand). Cytogenetic location: 20q11.22.
Variant type: single nucleotide variant.
Coding change: c.806-2A>T on transcript NM_020884.7 (MANE Select); the canonical splice acceptor site of the intron before coding-DNA position 806, A replaced by T.
Molecular consequence: splice acceptor variant.
Genome position (GRCh38, 1-based): chr20:34,986,098, A>T. VCF-style: chr20-34986098-A-T. GRCh37 (hg19) VCF-style: chr20-33573901-A-T.
Identifiers: ClinVar variation 2186290 (VCV002186290.2), dbSNP rs776001396, ClinGen allele CA9826674.